The following is an entry in ClinVar:

ClinVar aggregate classification (germline): Uncertain significance (1 of 4 stars; one submission).

Conditions:
Axenfeld-Rieger syndrome type 3 (RIEG3). Also called: AXENFELD-RIEGER ANOMALY WITH CARDIAC DEFECTS AND/OR SENSORINEURAL HEARING LOSS. Identifiers: Orphanet 782, MedGen C2678503, MONDO:0011233, OMIM 602482.

gnomAD v4.1: 25 of 1,385,620 alleles (0.0018%); highest among the groups gnomAD compares: Non-Finnish European, 0.0023%; no homozygotes.

Submission:

Labcorp Genetics (formerly Invitae), Labcorp
Classification: Uncertain significance for Axenfeld-Rieger syndrome type 3. Last evaluated: 2024-07-24. Review status: criteria provided, single submitter. Criteria: Invitae Variant Classification Sherloc (09022015). Collection method: clinical testing. Allele origin: germline.
Comment: This sequence change affects codon 279 of the FOXC1 mRNA. It is a 'silent' change, meaning that it does not change the encoded amino acid sequence of the FOXC1 protein. This variant is present in population databases (no rsID available, gnomAD 0.007%). This variant has not been reported in the literature in individuals affected with FOXC1-related conditions. In summary, the available evidence is currently insufficient to determine the role of this variant in disease. Therefore, it has been classified as a Variant of Uncertain Significance.

NM_001453.3(FOXC1):c.837G>C (p.Ser279=)

Gene: FOXC1 (forkhead box C1; plus strand). Cytogenetic location: 6p25.3.
Variant type: single nucleotide variant.
Coding change: c.837G>C on transcript NM_001453.3 (MANE Select); coding-DNA position 837, G replaced by C.
Protein change: p.Ser279=; no amino-acid change (serine 279 retained).
Molecular consequence: synonymous variant.
Genome position (GRCh38, 1-based): chr6:1,611,282, G>C. VCF-style: chr6-1611282-G-C. GRCh37 (hg19) VCF-style: chr6-1611517-G-C.
Identifiers: ClinVar variation 3713424 (VCV003713424.2).